The following is an entry in ClinVar:

NM_004304.5(ALK):c.4241G>T (p.Arg1414Met)

Gene: ALK (ALK receptor tyrosine kinase; minus strand). Cytogenetic location: 2p23.2.
Variant type: single nucleotide variant.
Coding change: c.4241G>T on transcript NM_004304.5 (MANE Select); coding-DNA position 4241, G replaced by T.
Protein change: p.Arg1414Met; replaces arginine 1414 with methionine.
Molecular consequence: missense variant.
Genome position (GRCh38, 1-based): chr2:29,193,846, C>A on the plus strand (G>T on the coding strand, the complement: ALK is on the minus strand). VCF-style: chr2-29193846-C-A. GRCh37 (hg19) VCF-style: chr2-29416712-C-A.
Other names: c.1037G>T, p.Arg346Met (NM_001353765.2); short protein forms R1414M, R346M.
Identifiers: ClinVar variation 640753 (VCV000640753.12), dbSNP rs77762612, ClinGen allele CA346463119.

ClinVar aggregate classification (germline): Uncertain significance. Review status: criteria provided, multiple submitters, no conflicts (2 of 4 stars). 2 submissions from 2 submitters: Uncertain significance (2). Last evaluated 2024-12-15.

Conditions:
Neuroblastoma, susceptibility to, 3. Also called: ALK-Related Neuroblastic Tumor Susceptibility. Identifiers: Orphanet 635, MedGen C2751681, MONDO:0013083, OMIM 613014.
Hereditary cancer-predisposing syndrome. Also called: Neoplastic Syndromes, Hereditary; Hereditary Cancer Syndrome; Hereditary neoplastic syndrome; Tumor predisposition. Identifiers: Orphanet 140162, MedGen C0027672, MeSH D009386, MONDO:0015356.

gnomAD v4.1: 1 of 1,612,982 alleles (0.000062%); highest among the groups gnomAD compares: Non-Finnish European, 0.000085%; no homozygotes.

Submissions (2):

Labcorp Genetics (formerly Invitae), Labcorp
Classification: Uncertain significance for Neuroblastoma, susceptibility to, 3. Last evaluated: 2024-12-15. Review status: criteria provided, single submitter. Criteria: Invitae Variant Classification Sherloc (09022015). Collection method: clinical testing. Allele origin: germline.
Comment: This sequence change replaces arginine, which is basic and polar, with methionine, which is neutral and non-polar, at codon 1414 of the ALK protein (p.Arg1414Met). This variant is not present in population databases (gnomAD no frequency). This variant has not been reported in the literature in individuals affected with ALK-related conditions. ClinVar contains an entry for this variant (Variation ID: 640753). An algorithm developed to predict the effect of missense changes on protein structure and function (PolyPhen-2) suggests that this variant is likely to be disruptive. In summary, the available evidence is currently insufficient to determine the role of this variant in disease. Therefore, it has been classified as a Variant of Uncertain Significance.

Ambry Genetics
Classification: Uncertain significance for Hereditary cancer-predisposing syndrome. Last evaluated: 2024-07-11. Review status: criteria provided, single submitter. Criteria: Ambry Variant Classification Scheme 2023. Collection method: clinical testing. Allele origin: germline.
Comment: The p.R1414M variant (also known as c.4241G>T), located in coding exon 29 of the ALK gene, results from a G to T substitution at nucleotide position 4241. The arginine at codon 1414 is replaced by methionine, an amino acid with similar properties. This amino acid position is conserved. In addition, the in silico prediction for this alteration is inconclusive. Since supporting evidence is limited at this time, the clinical significance of this alteration remains unclear.